The following is an entry in ClinVar:

ClinVar aggregate classification (germline): Uncertain significance (1 of 4 stars; one submission).

Allele frequency attached by ClinVar (database versions not stated): gnomAD exomes below 0.00001.

Submission:

Centre of Medical Genetics, University Hospital Muenster
Classification: Uncertain significance. Last evaluated: 2022-11-29. Review status: criteria provided, single submitter. Criteria: ACMG Guidelines, 2015. Collection method: clinical testing. Allele origin: unknown. Affected: yes. Observed: 1 variant allele, 1 heterozygote.
Comment: ACMG categories: PM2

NM_005045.4(RELN):c.7491-18C>T

Gene: RELN (reelin; minus strand). Cytogenetic location: 7q22.1.
Variant type: single nucleotide variant.
Coding change: c.7491-18C>T on transcript NM_005045.4 (MANE Select); 18 bases into the intron before coding-DNA position 7491, C replaced by T.
Molecular consequence: intron variant.
Genome position (GRCh38, 1-based): chr7:103,522,217, G>A on the plus strand (C>T on the coding strand, the complement: RELN is on the minus strand). VCF-style: chr7-103522217-G-A. GRCh37 (hg19) VCF-style: chr7-103162664-G-A.
Other names: c.7491-18C>T (NM_173054.3).
Identifiers: ClinVar variation 2430357 (VCV002430357.2), dbSNP rs2484753562, ClinGen allele CA2580076063.